The following is an entry in ClinVar:

ClinVar aggregate classification (germline): Uncertain significance (1 of 4 stars; one submission).

Submission:

Ambry Genetics
Classification: Uncertain significance. Last evaluated: 2022-01-12. Review status: criteria provided, single submitter. Criteria: Ambry Variant Classification Scheme 2023. Collection method: clinical testing. Allele origin: germline.
Comment: The p.C795Y variant (also known as c.2384G>A), located in coding exon 21 of the PRKDC gene, results from a G to A substitution at nucleotide position 2384. The cysteine at codon 795 is replaced by tyrosine, an amino acid with highly dissimilar properties. This amino acid position is conserved. In addition, this alteration is predicted to be tolerated by in silico analysis. Since supporting evidence is limited at this time, the clinical significance of this alteration remains unclear.

NM_006904.7(PRKDC):c.2384G>A (p.Cys795Tyr)

Gene: PRKDC (protein kinase, DNA-activated, catalytic subunit; minus strand). Cytogenetic location: 8q11.21.
Variant type: single nucleotide variant.
Coding change: c.2384G>A on transcript NM_006904.7 (MANE Select); coding-DNA position 2384, G replaced by A.
Protein change: p.Cys795Tyr; replaces cysteine 795 with tyrosine.
Molecular consequence: missense variant.
Genome position (GRCh38, 1-based): chr8:47,927,229, C>T on the plus strand (G>A on the coding strand, the complement: PRKDC is on the minus strand). VCF-style: chr8-47927229-C-T. GRCh37 (hg19) VCF-style: chr8-48839789-C-T.
Other names: c.2384G>A, p.Cys795Tyr (NM_001081640.2); short protein forms C795Y.
Identifiers: ClinVar variation 1790473 (VCV001790473.2), dbSNP rs2551878124, ClinGen allele CA371161708.